The following is an entry in ClinVar:

ClinVar aggregate classification (germline): Uncertain significance (1 of 4 stars; one submission).

Allele frequency attached by ClinVar (database versions not stated): gnomAD exomes below 0.00001; ExAC 0.00001.
gnomAD v4.1: 1 of 1,613,156 alleles (0.000062%); highest among the groups gnomAD compares: Non-Finnish European, 0.000085%; no homozygotes.

Submission:

Labcorp Genetics (formerly Invitae), Labcorp
Classification: Uncertain significance. Last evaluated: 2023-03-16. Review status: criteria provided, single submitter. Criteria: Invitae Variant Classification Sherloc (09022015). Collection method: clinical testing. Allele origin: germline.
Comment: In summary, the available evidence is currently insufficient to determine the role of this variant in disease. Therefore, it has been classified as a Variant of Uncertain Significance. Advanced modeling of protein sequence and biophysical properties (such as structural, functional, and spatial information, amino acid conservation, physicochemical variation, residue mobility, and thermodynamic stability) performed at Invitae indicates that this missense variant is not expected to disrupt PRPF8 protein function. This variant has not been reported in the literature in individuals affected with PRPF8-related conditions. This variant is present in population databases (rs762051164, gnomAD 0.0009%). This sequence change replaces threonine, which is neutral and polar, with alanine, which is neutral and non-polar, at codon 1102 of the PRPF8 protein (p.Thr1102Ala).

NM_006445.4(PRPF8):c.3304A>G (p.Thr1102Ala)

Gene: PRPF8 (pre-mRNA processing factor 8; minus strand). Cytogenetic location: 17p13.3.
Variant type: single nucleotide variant.
Coding change: c.3304A>G on transcript NM_006445.4 (MANE Select); coding-DNA position 3304, A replaced by G.
Protein change: p.Thr1102Ala; replaces threonine 1102 with alanine.
Molecular consequence: missense variant.
Genome position (GRCh38, 1-based): chr17:1,673,888, T>C on the plus strand (A>G on the coding strand, the complement: PRPF8 is on the minus strand). VCF-style: chr17-1673888-T-C. GRCh37 (hg19) VCF-style: chr17-1577182-T-C.
Other names: short protein forms T1102A.
Identifiers: ClinVar variation 2846324 (VCV002846324.3), dbSNP rs762051164, ClinGen allele CA8271909.